The following is an entry in ClinVar:

NM_005491.5(MAMLD1):c.1827T>G (p.His609Gln)

Gene: MAMLD1 (mastermind like domain containing 1; plus strand). Cytogenetic location: Xq28.
Variant type: single nucleotide variant.
Coding change: c.1827T>G on transcript NM_005491.5 (MANE Select); coding-DNA position 1827, T replaced by G.
Protein change: p.His609Gln; replaces histidine 609 with glutamine.
Molecular consequence: missense variant.
Genome position (GRCh38, 1-based): chrX:150,471,400, T>G. VCF-style: chrX-150471400-T-G. GRCh37 (hg19) VCF-style: chrX-149639672-T-G.
Other names: c.1752T>G, p.His584Gln (NM_001177465.3, NM_001177466.3, NM_001400514.1); c.1827T>G, p.His609Gln (NM_001400512.1, NM_001400513.1, NM_001400515.1); short protein forms H584Q, H609Q.
Identifiers: ClinVar variation 1937440 (VCV001937440.5), dbSNP rs782519703, ClinGen allele CA10538864.

ClinVar aggregate classification (germline): Uncertain significance (1 of 4 stars; one submission).

Allele frequency attached by ClinVar (database versions not stated): gnomAD 0.00001; gnomAD exomes 0.00001; ExAC 0.00002.
gnomAD v4.1: 8 of 1,209,561 alleles (0.00066%); highest among the groups gnomAD compares: Admixed American, 0.013%; no homozygotes.

Submission:

Labcorp Genetics (formerly Invitae), Labcorp
Classification: Uncertain significance. Last evaluated: 2022-10-04. Review status: criteria provided, single submitter. Criteria: Invitae Variant Classification Sherloc (09022015). Collection method: clinical testing. Allele origin: germline.
Comment: Algorithms developed to predict the effect of missense changes on protein structure and function output the following: SIFT: "Tolerated"; PolyPhen-2: "Benign"; Align-GVGD: "Class C0". The glutamine amino acid residue is found in multiple mammalian species, which suggests that this missense change does not adversely affect protein function. This variant has not been reported in the literature in individuals affected with MAMLD1-related conditions. This variant is present in population databases (rs782519703, gnomAD 0.004%). This sequence change replaces histidine, which is basic and polar, with glutamine, which is neutral and polar, at codon 609 of the MAMLD1 protein (p.His609Gln). In summary, the available evidence is currently insufficient to determine the role of this variant in disease. Therefore, it has been classified as a Variant of Uncertain Significance.